The following is an entry in ClinVar:

NM_001164277.2(SLC37A4):c.1168C>T (p.His390Tyr)

Gene: SLC37A4 (solute carrier family 37 member 4; minus strand). Cytogenetic location: 11q23.3.
Variant type: single nucleotide variant.
Coding change: c.1168C>T on transcript NM_001164277.2 (MANE Select); coding-DNA position 1168, C replaced by T.
Protein change: p.His390Tyr; replaces histidine 390 with tyrosine.
Molecular consequence: missense variant.
Genome position (GRCh38, 1-based): chr11:119,025,032, G>A on the plus strand (C>T on the coding strand, the complement: SLC37A4 is on the minus strand). VCF-style: chr11-119025032-G-A. GRCh37 (hg19) VCF-style: chr11-118895742-G-A.
Other names: c.1234C>T, p.His412Tyr (NM_001164278.2); c.949C>T, p.His317Tyr (NM_001164279.2); c.1168C>T, p.His390Tyr (NM_001164280.2, NM_001467.6); short protein forms H390Y, H412Y, H317Y.
Identifiers: ClinVar variation 215182 (VCV000215182.15), dbSNP rs199764888, ClinGen allele CA321467.

ClinVar aggregate classification (germline): Conflicting classifications of pathogenicity. Review status: criteria provided, conflicting classifications (1 of 4 stars). 5 submissions from 5 submitters: Uncertain significance (3); Likely benign (1). 1 of the submissions does not count toward it. Last evaluated 2026-01-31.

Conditions:
SLC37A4-related disorder. Also called: SLC37A4-related condition.
Inborn genetic diseases. Identifiers: MedGen C0950123, MeSH D030342.
Glucose-6-phosphate transport defect (GSD1B). Also called: Glycogen Storage Disease Type Ib; GSD Ib. Identifiers: Orphanet 364, Orphanet 79259, MedGen C0268146, MONDO:0009288, OMIM 232220.

Allele frequency attached by ClinVar (database versions not stated): gnomAD 0.00048 and 0.00044; TOPMed 0.00048; ExAC 0.00010; gnomAD exomes 0.00010; ESP Exome Variant Server 0.00048.

Submissions (5):

Labcorp Genetics (formerly Invitae), Labcorp
Classification: Likely benign for Glucose-6-phosphate transport defect. Last evaluated: 2026-01-31. Review status: criteria provided, single submitter. Criteria: Invitae Variant Classification Sherloc (09022015). Collection method: clinical testing. Allele origin: germline.

Ambry Genetics
Classification: Uncertain significance for Inborn genetic diseases. Last evaluated: 2021-09-16. Review status: criteria provided, single submitter. Criteria: Ambry Variant Classification Scheme 2023. Collection method: clinical testing. Allele origin: germline.
Comment: The p.H390Y variant (also known as c.1168C>T), located in coding exon 8 of the SLC37A4 gene, results from a C to T substitution at nucleotide position 1168. The histidine at codon 390 is replaced by tyrosine, an amino acid with similar properties. This amino acid position is conserved. In addition, this alteration is predicted to be tolerated by in silico analysis. Since supporting evidence is limited at this time, the clinical significance of this alteration remains unclear.

Eurofins Ntd Llc (ga)
Classification: Uncertain significance. Last evaluated: 2017-11-02. Review status: criteria provided, single submitter. Criteria: EGL Classification Definitions 2015. Collection method: clinical testing. Allele origin: germline. Observed: 1 variant allele, 1 heterozygote.

GeneDx
Classification: Uncertain significance. Last evaluated: 2013-12-30. Review status: criteria provided, single submitter. Criteria: GeneDx Variant Classification (06012015). Collection method: clinical testing. Allele origin: germline. Affected: yes.
Comment: p.His390Tyr (CAC>TAC): c.1168 C>T in exon 10 of the SLC37A4 gene (NM_001164277.1) A variant of unknown significance has been identified in the SLC37A4 gene.The H390Y missense substitution has not been published as a mutation, nor has it been reported as a benign polymorphism to our knowledge. The H390Y variant is a non-conservative amino acid substitution as these residues differ in polarity, charge, size and/or other properties and is more likely to impact secondary structure. This change occurs at a position in the SLC37A4 protein that is not highly conserved. In-silico analyses are not consistent in their predictions of whether or not H390Y is damaging to the SLC37A4 protein. Therefore, based on the currently available information, it is unclear whether H390Y is a disease-causing mutation or a rare benign variant. The variant is found in MITONUC-MITOP panel(s).

PreventionGenetics, part of Exact Sciences
Classification: Likely benign for SLC37A4-related condition. Last evaluated: 2024-01-16. Review status: no assertion criteria provided. Collection method: clinical testing. Allele origin: germline. Not counted in ClinVar's aggregate classification.
Comment: This variant is classified as likely benign based on ACMG/AMP sequence variant interpretation guidelines (Richards et al. 2015 PMID: 25741868, with internal and published modifications).